The following is an entry in ClinVar:

ClinVar aggregate classification (germline): Conflicting classifications of pathogenicity. Review status: criteria provided, conflicting classifications (1 of 4 stars). 16 submissions from 12 submitters: Uncertain significance (3); Benign (5); Likely benign (5). 3 of the submissions do not count toward it. Last evaluated 2026-09-01.

Conditions:
Cardiovascular phenotype. Identifiers: MedGen CN230736.
Autosomal recessive limb-girdle muscular dystrophy type 2J (LGMDR10). Also called: Limb-girdle muscular dystrophy, type 2J; MUSCULAR DYSTROPHY, LIMB-GIRDLE, AUTOSOMAL RECESSIVE 10. Identifiers: Orphanet 140922, MedGen C1837342, MONDO:0012127, OMIM 608807.
Dilated cardiomyopathy 1G (CMD1G). Identifiers: Orphanet 154, MedGen C1858763, MONDO:0011400, OMIM 604145.
Cardiomyopathy (CMYO). Also called: Cardiomyopathies. Identifiers: Orphanet 167848, MedGen C0878544, MONDO:0004994, HP:0001638. Inheritance: Various modes of inheritance.
Early-onset myopathy with fatal cardiomyopathy (CMYO5). Also called: Salih Myopathy; CONGENITAL MYOPATHY 5 WITH CARDIOMYOPATHY. Identifiers: Orphanet 289377, MedGen C2673677, MONDO:0012714, OMIM 611705. Disease mechanism: loss of function.
Myopathy, myofibrillar, 9, with early respiratory failure (MFM9). Also called: EDSTROM MYOPATHY; MYOPATHY, PROXIMAL, WITH EARLY RESPIRATORY MUSCLE INVOLVEMENT; Hereditary myopathy with early respiratory failure; Myopathy, distal, with early respiratory failure, autosomal dominant. Identifiers: Orphanet 178464, Orphanet 34521, MedGen C1863599, MONDO:0011362, OMIM 603689.
Tibial muscular dystrophy (TMD). Also called: Udd Distal Myopathy – Tibial Muscular Dystrophy; Tibial muscular dystrophy, tardive; UDD MYOPATHY. Identifiers: Orphanet 609, MedGen C1838244, MONDO:0010870, OMIM 600334.

Allele frequency attached by ClinVar (database versions not stated): gnomAD 0.00021; ESP Exome Variant Server 0.00023; gnomAD exomes 0.00025 and 0.00042; TOPMed 0.00025; ExAC 0.00029.
gnomAD v4.1: 422 of 1,614,052 alleles (0.026%); highest among the groups gnomAD compares: Middle Eastern, 0.53%; 2 homozygotes.

Submissions (16):

CeGaT Center for Human Genetics Tuebingen
Classification: Likely benign. Last evaluated: 2026-09-01. Review status: criteria provided, single submitter. Criteria: CeGaT Center For Human Genetics Tuebingen Variant Classification Criteria Version 2. Collection method: clinical testing. Allele origin: germline. Affected: yes. Observed: 15 variant alleles.
Comment: TTN: BP4, BP7

Labcorp Genetics (formerly Invitae), Labcorp
Classification: Likely benign for Dilated cardiomyopathy 1G; Autosomal recessive limb-girdle muscular dystrophy type 2J. Last evaluated: 2026-01-25. Review status: criteria provided, single submitter. Criteria: Invitae Variant Classification Sherloc (09022015). Collection method: clinical testing. Allele origin: germline.

Blueprint Genetics
Classification: Likely benign. Last evaluated: 2024-08-13. Review status: criteria provided, single submitter. Criteria: ACMG Guidelines, 2015. Collection method: clinical testing. Allele origin: germline.

Women's Health and Genetics/Laboratory Corporation of America, LabCorp
Classification: Benign. Last evaluated: 2023-08-19. Review status: criteria provided, single submitter. Criteria: LabCorp Variant Classification Summary - May 2015. Collection method: clinical testing. Allele origin: germline.

Ambry Genetics
Classification: Likely benign for Cardiovascular phenotype. Last evaluated: 2018-06-29. Review status: criteria provided, single submitter. Criteria: Ambry Variant Classification Scheme 2023. Collection method: clinical testing. Allele origin: germline.

Illumina Laboratory Services, Illumina
Classification: Uncertain significance for Dilated cardiomyopathy 1G. Last evaluated: 2018-01-13. Review status: criteria provided, single submitter. Criteria: ICSL Variant Classification Criteria 13 December 2019. Collection method: clinical testing. Allele origin: germline.

Illumina Laboratory Services, Illumina
Classification: Benign for Tibial muscular dystrophy. Last evaluated: 2018-01-13. Review status: criteria provided, single submitter. Criteria: ICSL Variant Classification Criteria 13 December 2019. Collection method: clinical testing. Allele origin: germline.
Comment: This variant was observed in the ICSL laboratory as part of a predisposition screen in an ostensibly healthy population. It had not been previously curated by ICSL or reported in the Human Gene Mutation Database (HGMD: prior to June 1st, 2018), and was therefore a candidate for classification through an automated scoring system. Utilizing variant allele frequency, disease prevalence and penetrance estimates, and inheritance mode, an automated score was calculated to assess if this variant is too frequent to cause the disease. Based on the score and internal cut-off values, a variant classified as benign is not then subjected to further curation. The score for this variant resulted in a classification of benign for this disease.

Illumina Laboratory Services, Illumina
Classification: Benign for Myopathy, myofibrillar, 9, with early respiratory failure. Last evaluated: 2018-01-13. Review status: criteria provided, single submitter. Criteria: ICSL Variant Classification Criteria 13 December 2019. Collection method: clinical testing. Allele origin: germline.
Comment: the same text as in the submission from Illumina Laboratory Services, Illumina above.

Illumina Laboratory Services, Illumina
Classification: Uncertain significance for Early-onset myopathy with fatal cardiomyopathy. Last evaluated: 2018-01-13. Review status: criteria provided, single submitter. Criteria: ICSL Variant Classification Criteria 13 December 2019. Collection method: clinical testing. Allele origin: germline.

Illumina Laboratory Services, Illumina
Classification: Uncertain significance for Autosomal recessive limb-girdle muscular dystrophy type 2J. Last evaluated: 2018-01-13. Review status: criteria provided, single submitter. Criteria: ICSL Variant Classification Criteria 13 December 2019. Collection method: clinical testing. Allele origin: germline.

CHEO Genetics Diagnostic Laboratory, Children's Hospital of Eastern Ontario
Classification: Benign for Cardiomyopathy. Last evaluated: 2017-11-24. Review status: criteria provided, single submitter. Criteria: ACMG Guidelines, 2015. Collection method: clinical testing. Allele origin: germline.

GeneDx
Classification: Benign. Last evaluated: 2015-03-03. Review status: criteria provided, single submitter. Criteria: GeneDx Variant Classification Process June 2021. Collection method: clinical testing. Allele origin: germline. Affected: yes.

Laboratory for Molecular Medicine, Mass General Brigham Personalized Medicine
Classification: Likely benign. Last evaluated: 2012-03-19. Review status: criteria provided, single submitter. Criteria: LMM Criteria. Collection method: clinical testing. Allele origin: germline. Observed: 3 variant alleles.
Comment: Glu2863Glu in exon 36 of TTN: This variant is not expected to have clinical sign ificance because it does not alter an amino acid residue and is not located with in the splice consensus sequence. It has been identified in 3/7020 European Amer ican chromosomes from a broad population by the NHLBI Exome Sequencing Project (dbSNP rs72647883). Glu2863Glu in exon 36 of T TN (rs72647883; allele frequency = 3/7020) **

Clinical Genetics DNA and cytogenetics Diagnostics Lab, Erasmus MC, Erasmus Medical Center
Classification: Likely benign. Review status: no assertion criteria provided. Collection method: clinical testing. Allele origin: germline. Affected: yes. Study: VKGL Data-share Consensus. Not counted in ClinVar's aggregate classification.

Clinical Genetics, Academic Medical Center
Classification: Benign. Review status: no assertion criteria provided. Collection method: clinical testing. Allele origin: germline. Affected: yes. Study: VKGL Data-share Consensus. Not counted in ClinVar's aggregate classification.

Joint Genome Diagnostic Labs from Nijmegen and Maastricht, Radboudumc and MUMC+
Classification: Benign. Review status: no assertion criteria provided. Collection method: clinical testing. Allele origin: germline. Affected: yes. Study: VKGL Data-share Consensus. Not counted in ClinVar's aggregate classification.

NM_001267550.2(TTN):c.8589A>G (p.Glu2863=)

Gene: TTN (titin; minus strand). Cytogenetic location: 2q31.2.
Variant type: single nucleotide variant.
Coding change: c.8589A>G on transcript NM_001267550.2 (MANE Select); coding-DNA position 8589, A replaced by G.
Protein change: p.Glu2863=; no amino-acid change (glutamic acid 2863 retained).
Molecular consequence: synonymous variant.
Genome position (GRCh38, 1-based): chr2:178,770,112, T>C on the plus strand (A>G on the coding strand, the complement: TTN is on the minus strand). VCF-style: chr2-178770112-T-C. GRCh37 (hg19) VCF-style: chr2-179634839-T-C.
Other names: c.8589A>G, p.Glu2863= (NM_001256850.1, NM_133379.5, NM_133378.4); c.8451A>G, p.Glu2817= (NM_003319.4, NM_133432.3, NM_133437.4).
Identifiers: ClinVar variation 166304 (VCV000166304.61), dbSNP rs72647883, ClinGen allele CA179245.